The following is an entry in ClinVar:

NM_000363.5(TNNI3):c.206G>A (p.Arg69His)

Gene: TNNI3 (troponin I3, cardiac type; minus strand). Cytogenetic location: 19q13.42.
Variant type: single nucleotide variant.
Coding change: c.206G>A on transcript NM_000363.5 (MANE Select); coding-DNA position 206, G replaced by A.
Protein change: p.Arg69His; replaces arginine 69 with histidine.
Molecular consequence: missense variant.
Genome position (GRCh38, 1-based): chr19:55,156,277, C>T on the plus strand (G>A on the coding strand, the complement: TNNI3 is on the minus strand). VCF-style: chr19-55156277-C-T. GRCh37 (hg19) VCF-style: chr19-55667645-C-T.
Other names: short protein forms R69H.
Identifiers: ClinVar variation 992364 (VCV000992364.4), dbSNP rs1401968020, ClinGen allele CA407441846.

ClinVar aggregate classification (germline): Uncertain significance. Review status: criteria provided, multiple submitters, no conflicts (2 of 4 stars). 3 submissions from 3 submitters: Uncertain significance (2). 1 of the submissions does not count toward it. Last evaluated 2025-11-15.

Conditions:
Hypertrophic cardiomyopathy. Also called: HYPERTROPHIC MYOCARDIOPATHY. Identifiers: Orphanet 217569, MedGen C0007194, MeSH D002312, MONDO:0005045, HP:0001639.
Cardiovascular phenotype. Identifiers: MedGen CN230736.
Hypertrophic cardiomyopathy 7. Also called: TNNI3-Related Familial Hypertrophic Cardiomyopathy; Familial hypertrophic cardiomyopathy 7; CARDIOMYOPATHY, FAMILIAL HYPERTROPHIC, 7, MODIFIER OF. Identifiers: MedGen C1860752, MONDO:0013369, OMIM 613690.

Allele frequency attached by ClinVar (database versions not stated): gnomAD exomes below 0.00001.
gnomAD v4.1: 1 of 1,611,392 alleles (0.000062%); highest among the groups gnomAD compares: Admixed American, 0.0017%; no homozygotes.

Submissions (3):

Ambry Genetics
Classification: Uncertain significance for Cardiovascular phenotype. Last evaluated: 2025-11-15. Review status: criteria provided, single submitter. Criteria: Ambry Variant Classification Scheme 2023. Collection method: clinical testing. Allele origin: germline.
Comment: The p.R69H variant (also known as c.206G>A), located in coding exon 5 of the TNNI3 gene, results from a G to A substitution at nucleotide position 206. The arginine at codon 69 is replaced by histidine, an amino acid with highly similar properties. This amino acid position is conserved. In addition, the in silico prediction for this alteration is inconclusive. Based on the available evidence, the clinical significance of this variant remains unclear.

All of Us Research Program, National Institutes of Health
Classification: Uncertain significance for Hypertrophic cardiomyopathy. Last evaluated: 2023-06-28. Review status: criteria provided, single submitter. Criteria: ACMG Guidelines, 2015. Collection method: clinical testing. Allele origin: germline. Inheritance: Autosomal dominant inheritance. Observed: 2 variant alleles, 2 heterozygotes.
Comment: This study involves interpretation of variants in research participants for the purpose of population health screening. Participant phenotype was not available at the time of variant classification. Additional details can be found in publication PMID: 35346344, PMCID: PMC8962531

Bioscientia Institut fuer Medizinische Diagnostik GmbH, Sonic Healthcare
Classification: Uncertain significance for Hypertrophic cardiomyopathy 7. Last evaluated: 2020-06-16. Review status: no assertion criteria provided. Collection method: clinical testing. Allele origin: germline. Affected: yes. Not counted in ClinVar's aggregate classification.